The following is an entry in ClinVar:

ClinVar aggregate classification (germline): Uncertain significance (1 of 4 stars; one submission).

gnomAD v4.1: 1 of 1,209,704 alleles (0.000083%); highest among the groups gnomAD compares: Non-Finnish European, 0.00011%; no homozygotes.

Submission:

Labcorp Genetics (formerly Invitae), Labcorp
Classification: Uncertain significance. Last evaluated: 2025-09-27. Review status: criteria provided, single submitter. Criteria: Invitae Variant Classification Sherloc (09022015). Collection method: clinical testing. Allele origin: germline.
Comment: This sequence change replaces valine, which is neutral and non-polar, with alanine, which is neutral and non-polar, at codon 1219 of the NEXMIF protein (p.Val1219Ala). This variant is not present in population databases (gnomAD no frequency). This variant has not been reported in the literature in individuals affected with NEXMIF-related conditions. An algorithm developed to predict the effect of missense changes on protein structure and function outputs the following: PolyPhen-2: "Benign". The alanine amino acid residue is found in multiple mammalian species, which suggests that this missense change does not adversely affect protein function. In summary, the available evidence is currently insufficient to determine the role of this variant in disease. Therefore, it has been classified as a Variant of Uncertain Significance.

NM_001008537.3(NEXMIF):c.3656T>C (p.Val1219Ala)

Gene: NEXMIF (neurite extension and migration factor; minus strand). Cytogenetic location: Xq13.3.
Variant type: single nucleotide variant.
Coding change: c.3656T>C on transcript NM_001008537.3 (MANE Select); coding-DNA position 3656, T replaced by C.
Protein change: p.Val1219Ala; replaces valine 1219 with alanine.
Molecular consequence: missense variant.
Genome position (GRCh38, 1-based): chrX:74,740,901, A>G on the plus strand (T>C on the coding strand, the complement: NEXMIF is on the minus strand). VCF-style: chrX-74740901-A-G. GRCh37 (hg19) VCF-style: chrX-73960736-A-G.
Other names: short protein forms V1219A.
Identifiers: ClinVar variation 4703801 (VCV004703801.1).